The following is an entry in ClinVar:

NM_014727.3(KMT2B):c.4903C>T (p.Arg1635Ter)

Gene: KMT2B (lysine methyltransferase 2B; plus strand). Cytogenetic location: 19q13.12.
Variant type: single nucleotide variant.
Coding change: c.4903C>T on transcript NM_014727.3 (MANE Select); coding-DNA position 4903, C replaced by T.
Protein change: p.Arg1635Ter; replaces arginine 1635 with a stop codon.
Molecular consequence: nonsense.
Genome position (GRCh38, 1-based): chr19:35,729,282, C>T. VCF-style: chr19-35729282-C-T. GRCh37 (hg19) VCF-style: chr19-36220183-C-T.
Other names: short protein forms R1635*.
Identifiers: ClinVar variation 2768466 (VCV002768466.3), dbSNP rs1437697210, ClinGen allele CA405418388.

ClinVar aggregate classification (germline): Pathogenic (1 of 4 stars; one submission).

Submission:

Labcorp Genetics (formerly Invitae), Labcorp
Classification: Pathogenic. Last evaluated: 2024-01-18. Review status: criteria provided, single submitter. Criteria: Invitae Variant Classification Sherloc (09022015). Collection method: clinical testing. Allele origin: germline.
Comment: This sequence change creates a premature translational stop signal (p.Arg1635*) in the KMT2B gene. It is expected to result in an absent or disrupted protein product. Loss-of-function variants in KMT2B are known to be pathogenic (PMID: 27839873, 27992417). This variant is not present in population databases (gnomAD no frequency). This variant has not been reported in the literature in individuals affected with KMT2B-related conditions. For these reasons, this variant has been classified as Pathogenic.

Literature cited by the submitters: PubMed 27839873; PubMed 27992417.